The following is an entry in ClinVar:

NM_031407.7(HUWE1):c.10111G>A (p.Ala3371Thr)

Gene: HUWE1 (HECT, UBA and WWE domain containing E3 ubiquitin protein ligase 1; minus strand). Cytogenetic location: Xp11.22.
Variant type: single nucleotide variant.
Coding change: c.10111G>A on transcript NM_031407.7 (MANE Select); coding-DNA position 10111, G replaced by A.
Protein change: p.Ala3371Thr; replaces alanine 3371 with threonine.
Molecular consequence: missense variant.
Genome position (GRCh38, 1-based): chrX:53,548,198, C>T on the plus strand (G>A on the coding strand, the complement: HUWE1 is on the minus strand). VCF-style: chrX-53548198-C-T. GRCh37 (hg19) VCF-style: chrX-53575159-C-T.
Other names: c.10111G>A (NM_031407.4); short protein forms A3371T.
Identifiers: ClinVar variation 2582443 (VCV002582443.5), dbSNP rs781993401, ClinGen allele CA10421577.
Genomic context (GRCh38, chrX:53,548,198, plus strand): 5'-AGTCCCAGAAGTCTGTGCAAATGCCACTGCTGGAGGACTGTGAGGAGCATGGGCTACAGG[C>T]CTTATTGCCCCTTTCCCGATCACTCTCACAGTTTGTTTCTTTGGTCCGCTGCTGTGTGAA-3'
Protein context (NP_113584.3, residues 3361-3381): CESDRERGNK[Ala3371Thr]CSPCSSQSSS

ClinVar aggregate classification (germline): Conflicting classifications of pathogenicity. Review status: criteria provided, conflicting classifications (1 of 4 stars). 4 submissions from 4 submitters: Uncertain significance (2); Likely benign (1). 1 of the submissions does not count toward it. Last evaluated 2025-11-11.

Conditions:
Intellectual developmental disorder, X-linked, syndromic, Turner type. Also called: Intellectual disability, X-linked syndromic, Turner type; X-linked intellectual disability, Turner type. Identifiers: Orphanet 3056, Orphanet 85328, MedGen C2678046, MONDO:0010407, OMIM 309590.
Inborn genetic diseases. Identifiers: MedGen C0950123, MeSH D030342.

Allele frequency attached by ClinVar (database versions not stated): ExAC 0.00001; gnomAD exomes 0.00001.
gnomAD v4.1: 8 of 1,207,617 alleles (0.00066%); highest among the groups gnomAD compares: Admixed American, 0.0022%; no homozygotes.

Submissions (4):

Ambry Genetics
Classification: Uncertain significance for Inborn genetic diseases. Last evaluated: 2025-11-11. Review status: criteria provided, single submitter. Criteria: Ambry Variant Classification Scheme 2023. Collection method: clinical testing. Allele origin: germline.
Comment: The c.10111G>A (p.A3371T) alteration is located in exon 68 (coding exon 65) of the HUWE1 gene. This alteration results from a G to A substitution at nucleotide position 10111, causing the alanine (A) at amino acid position 3371 to be replaced by a threonine (T). Based on data from gnomAD, the A allele has an overall frequency of 0.002% (3/174696) total alleles studied. The highest observed frequency was 0.004% (1/27030) of Latino alleles. Based on insufficient or conflicting evidence, the clinical significance of this alteration remains unclear.

Labcorp Genetics (formerly Invitae), Labcorp
Classification: Likely benign. Last evaluated: 2024-06-24. Review status: criteria provided, single submitter. Criteria: Invitae Variant Classification Sherloc (09022015). Collection method: clinical testing. Allele origin: germline.

Baylor Genetics
Classification: Uncertain significance for Intellectual developmental disorder, X-linked, syndromic, Turner type. Last evaluated: 2023-04-13. Review status: criteria provided, single submitter. Criteria: ACMG Guidelines, 2015. Collection method: clinical testing. Allele origin: unknown.

Department of Neurology, Johns Hopkins University School of Medicine
Classification: Likely benign for Intellectual developmental disorder, X-linked, syndromic, Turner type. Review status: no assertion criteria provided. Collection method: clinical testing. Allele origin: maternal. Affected: yes. Not counted in ClinVar's aggregate classification.